The following is an entry in ClinVar:

NM_001330078.2(NRXN1):c.471dup (p.Leu158fs)

Gene: NRXN1 (neurexin 1; minus strand). Cytogenetic location: 2p16.3.
Variant type: Duplication.
Coding change: c.471dup on transcript NM_001330078.2 (MANE Select); coding-DNA position 471, one base duplicated (G; older notation c.471dupG).
Protein change: p.Leu158fs; shifts the reading frame from leucine 158.
Molecular consequence: frameshift variant.
Genome position (GRCh38, 1-based): chr2:51,027,803, C duplicated on the plus strand (G on the coding strand, the reverse complement: NRXN1 is on the minus strand); the first of 6 consecutive C bases (chr2:51,027,803-51,027,808); duplicating any one gives the same sequence. VCF-style (leftmost placement, unchanged base first): chr2-51027802-G-GC. GRCh37 (hg19) VCF-style: chr2-51254940-G-GC.
Other names: c.471dup, p.Leu158fs (NM_001135659.3, NM_001330077.2, NM_001330079.2 and 15 more transcripts); short protein forms L158fs.
Identifiers: ClinVar variation 2430078 (VCV002430078.3), dbSNP rs774889610, ClinGen allele CA1655477.
Genomic context (GRCh38, chr2:51,027,802, plus strand): 5'-CCCGCTCCCTCACCGAGGCCAGGGTGAGCTTGAGCGCCGCGGCGCGCAGTTCCGGGGGCA[G>GC]CCCCCCGACGAAAAGGCCGCTGAACACCGTCATGTCCCTGCGCTTGGACTTGACCTCCAC-3'

ClinVar aggregate classification (germline): Pathogenic. Review status: criteria provided, multiple submitters, no conflicts (2 of 4 stars). 2 submissions from 2 submitters: Pathogenic (2). Last evaluated 2025-06-15.

Conditions:
Autism spectrum disorder. Also called: Autism spectrum disorders. Identifiers: MedGen C1510586, MeSH D000067877, MONDO:0005258.
Pitt-Hopkins-like syndrome 2 (PTHSL2). Identifiers: Orphanet 221150, Orphanet 600663, MedGen C3280479, MONDO:0013690, OMIM 614325.

Submissions (2):

Labcorp Genetics (formerly Invitae), Labcorp
Classification: Pathogenic for Pitt-Hopkins-like syndrome 2. Last evaluated: 2025-06-15. Review status: criteria provided, single submitter. Criteria: Invitae Variant Classification Sherloc (09022015). Collection method: clinical testing. Allele origin: germline.
Comment: This sequence change creates a premature translational stop signal (p.Leu158Alafs*29) in the NRXN1 gene. It is expected to result in an absent or disrupted protein product. Loss-of-function variants in NRXN1 are known to be pathogenic (PMID: 19896112, 21964664, 23495017, 23533028, 25149956, 30031152). The frequency data for this variant in the population databases is considered unreliable, as metrics indicate poor data quality at this position in the gnomAD database. This premature translational stop signal has been observed in individual(s) with clinical features of NRXN1-related conditions (PMID: 32094338). ClinVar contains an entry for this variant (Variation ID: 2430078). For these reasons, this variant has been classified as Pathogenic.

Department of Genetics, Rouen University Hospital, Normandy Center for Genomic and Personalized Medicine
Classification: Pathogenic for Autism spectrum disorder. Review status: criteria provided, single submitter. Criteria: ACMG Guidelines, 2015. Collection method: clinical testing. Allele origin: de novo. Affected: yes.

Literature cited by the submitters: PubMed 19896112 (cited by Labcorp Genetics (formerly Invitae), Labcorp); PubMed 21964664 (cited by Labcorp Genetics (formerly Invitae), Labcorp); PubMed 23495017 (cited by Labcorp Genetics (formerly Invitae), Labcorp); PubMed 23533028 (cited by Labcorp Genetics (formerly Invitae), Labcorp); PubMed 25149956 (cited by Labcorp Genetics (formerly Invitae), Labcorp); PubMed 30031152 (cited by Labcorp Genetics (formerly Invitae), Labcorp); PubMed 32094338 (cited by Labcorp Genetics (formerly Invitae), Labcorp).